The following is an entry in ClinVar:

ClinVar aggregate classification (germline): Uncertain significance. Review status: criteria provided, multiple submitters, no conflicts (2 of 4 stars). 2 submissions from 2 submitters: Uncertain significance (2). Last evaluated 2022-02-03.

Conditions:
Congenital heart disease (CHD). Identifiers: MedGen C0152021, MONDO:0005453. Disease mechanism: unknown.

Allele frequency attached by ClinVar (database versions not stated): gnomAD exomes below 0.00001.
gnomAD v4.1: 1 of 1,614,154 alleles (0.000062%); highest among the groups gnomAD compares: Non-Finnish European, 0.000085%; no homozygotes.

Submissions (2):

Labcorp Genetics (formerly Invitae), Labcorp
Classification: Uncertain significance. Last evaluated: 2022-02-03. Review status: criteria provided, single submitter. Criteria: Invitae Variant Classification Sherloc (09022015). Collection method: clinical testing. Allele origin: germline.
Comment: This sequence change replaces methionine, which is neutral and non-polar, with valine, which is neutral and non-polar, at codon 429 of the FOXP1 protein (p.Met429Val). This variant has not been reported in the literature in individuals affected with FOXP1-related conditions. In summary, the available evidence is currently insufficient to determine the role of this variant in disease. Therefore, it has been classified as a Variant of Uncertain Significance. Algorithms developed to predict the effect of missense changes on protein structure and function (SIFT, PolyPhen-2, Align-GVGD) all suggest that this variant is likely to be tolerated. This variant is present in population databases (no rsID available, gnomAD 0.0009%).

Department of Pathology and Laboratory Medicine, Sinai Health System
Classification: Uncertain significance for congenital heart disease. Last evaluated: 2021-02-23. Review status: criteria provided, single submitter. Criteria: ACMG Guidelines, 2015. Collection method: research. Allele origin: germline.

NM_001349338.3(FOXP1):c.1285A>G (p.Met429Val)

Gene: FOXP1 (forkhead box P1; minus strand). Cytogenetic location: 3p13.
Variant type: single nucleotide variant.
Coding change: c.1285A>G on transcript NM_001349338.3 (MANE Select); coding-DNA position 1285, A replaced by G.
Protein change: p.Met429Val; replaces methionine 429 with valine.
Molecular consequence: missense variant. On other transcripts: non-coding transcript variant (2).
Genome position (GRCh38, 1-based): chr3:70,977,891, T>C on the plus strand (A>G on the coding strand, the complement: FOXP1 is on the minus strand). VCF-style: chr3-70977891-T-C. GRCh37 (hg19) VCF-style: chr3-71027042-T-C.
Other names: c.1285A>G, p.Met429Val (NM_001244808.3, NM_001244810.2, NM_001244814.3 and 4 more transcripts); c.1057A>G, p.Met353Val (NM_001244812.3); c.985A>G, p.Met329Val (NM_001244813.3, NM_001244815.2, NM_001349342.3 and 1 more transcripts); c.982A>G, p.Met328Val (NM_001349337.2, NM_001349343.3, NM_001349344.3); c.1282A>G, p.Met428Val (NM_001349341.3); short protein forms M428V, M429V, M329V, M353V, M328V.
Identifiers: ClinVar variation 1896337 (VCV001896337.6), dbSNP rs1186591083, ClinGen allele CA353493524.